The following is an entry in ClinVar:

NM_017882.3(CLN6):c.775G>A (p.Gly259Ser)

Gene: CLN6 (CLN6 transmembrane ER protein; minus strand). Cytogenetic location: 15q23.
Variant type: single nucleotide variant.
Coding change: c.775G>A on transcript NM_017882.3 (MANE Select); coding-DNA position 775, G replaced by A.
Protein change: p.Gly259Ser; replaces glycine 259 with serine.
Molecular consequence: missense variant.
Genome position (GRCh38, 1-based): chr15:68,208,301, C>T on the plus strand (G>A on the coding strand, the complement: CLN6 is on the minus strand). VCF-style: chr15-68208301-C-T. GRCh37 (hg19) VCF-style: chr15-68500639-C-T.
Other names: short protein forms G259S.
Identifiers: ClinVar variation 961382 (VCV000961382.19), dbSNP rs150363441, ClinGen allele CA7630474.

ClinVar aggregate classification (germline): Conflicting classifications of pathogenicity. Review status: criteria provided, conflicting classifications (1 of 4 stars). 11 submissions from 11 submitters: Pathogenic (1); Likely pathogenic (8); Uncertain significance (2). Last evaluated 2026-01-19.

Conditions:
Ceroid lipofuscinosis, neuronal, 6B (Kufs type). Also called: Neuronal ceroid lipofuscinosis 4A. Identifiers: Orphanet 700477, MedGen C5561927, MONDO:0008768, OMIM 204300.
Ceroid lipofuscinosis, neuronal, 6A. Also called: Neuronal ceroid lipofuscinosis, late infantile, variant; CLN6-Related Neuronal Ceroid-Lipofuscinosis; Neuronal ceroid lipofuscinosis, Gypsy/Indian early juvenile variant; Neuronal ceroid lipofuscinosis 6. Identifiers: Orphanet 168491, Orphanet 228363, MedGen C5551375, MONDO:0011144, OMIM 601780.
CLN6-related disorder. Also called: CLN6-related condition.
Inborn genetic diseases. Identifiers: MedGen C0950123, MeSH D030342.
Neuronal ceroid lipofuscinosis. Also called: Neuronal Ceroid Lipofuscinoses. Identifiers: Orphanet 216, Orphanet 79263, MedGen C0027877, MONDO:0016295. Disease mechanism: loss of function.

Allele frequency attached by ClinVar (database versions not stated): ESP Exome Variant Server 0.00015; ExAC 0.00001; gnomAD exomes 0.00001 and 0.00002; gnomAD 0.00002; TOPMed 0.00003.
gnomAD v4.1: 19 of 1,613,992 alleles (0.0012%); highest among the groups gnomAD compares: South Asian, 0.0055%; no homozygotes.

Submissions (11):

Labcorp Genetics (formerly Invitae), Labcorp
Classification: Likely pathogenic for Neuronal ceroid lipofuscinosis. Last evaluated: 2026-01-19. Review status: criteria provided, single submitter. Criteria: Invitae Variant Classification Sherloc (09022015). Collection method: clinical testing. Allele origin: germline.
Comment: This sequence change replaces glycine, which is neutral and non-polar, with serine, which is neutral and polar, at codon 259 of the CLN6 protein (p.Gly259Ser). This variant is present in population databases (rs150363441, gnomAD 0.01%). This missense change has been observed in individuals with neuronal ceroid lipofuscinosis (PMID: 21990111, 35505348; internal data). ClinVar contains an entry for this variant (Variation ID: 961382). Invitae Evidence Modeling of protein sequence and biophysical properties (such as structural, functional, and spatial information, amino acid conservation, physicochemical variation, residue mobility, and thermodynamic stability) has been performed for this missense variant. However, the output from this modeling did not meet the statistical confidence thresholds required to predict the impact of this variant on CLN6 protein function. This variant disrupts the p.Gly259 amino acid residue in CLN6. Other variant(s) that disrupt this residue have been observed in individuals with CLN6-related conditions (PMID: 19135028, 31489614), which suggests that this may be a clinically significant amino acid residue. In summary, the currently available evidence indicates that the variant is pathogenic, but additional data are needed to prove that conclusively. Therefore, this variant has been classified as Likely Pathogenic.

Myriad Genetics, Inc.
Classification: Likely pathogenic for Neuronal ceroid lipofuscinosis. Last evaluated: 2026-01-16. Review status: criteria provided, single submitter. Criteria: Myriad Autosomal Dominant, Autosomal Recessive and X-Linked Classification Criteria (2023). Collection method: clinical testing. Allele origin: unknown.
Comment: NM_017882.2(CLN6):c.775G>A(G259S) is a missense variant classified as likely pathogenic in the context of neuronal ceroid lipofuscinosis, CLN6-related. G259S has been observed in cases with relevant disease (PMID: 24215330, 21990111, 35505348). Relevant functional assessments of this variant are not available in the literature. G259S has been observed in referenced population frequency databases. In summary, NM_017882.2(CLN6):c.775G>A(G259S) is a missense variant that has been observed more frequently in cases with the relevant disease than in healthy populations. Please note: this variant was assessed in the context of healthy population screening.

Natera, Inc.
Classification: Likely pathogenic for Ceroid lipofuscinosis, neuronal, 6A. Last evaluated: 2025-12-22. Review status: criteria provided, single submitter. Criteria: Natera Variant Classification Schema (03/2026). Collection method: clinical testing. Allele origin: germline.
Comment: The c.775G>A variant in CLN6 is a missense variant predicted to cause substitution of glycine to serine at amino acid 259. This variant is rare in the general population with a frequency below the threshold expected for the associated phenotype(s). This variant has been observed in one or more individuals affected with the associated recessive disease, as either homozygous or compound heterozygous with a second variant (PMID: 21990111, 35505348, 24215330). Computational prediction algorithms indicate this variant is likely to affect gene or protein function. Given the available evidence, this variant is classified as Likely Pathogenic.

3billion
Classification: Likely pathogenic for Ceroid lipofuscinosis, neuronal, 6A. Last evaluated: 2023-12-06. Review status: criteria provided, single submitter. Criteria: ACMG Guidelines, 2015. Collection method: clinical testing. Allele origin: germline. Affected: yes.
Comment: The variant is observed at an extremely low frequency in the gnomAD v2.1.1 dataset (total allele frequency: 0.002%). Predicted Consequence/Location: Missense variant In silico tool predictions suggest damaging effect of the variant on gene or gene product [REVEL: 0.77 (>=0.6, sensitivity 0.68 and specificity 0.92); 3Cnet: 0.63 (>=0.6, sensitivity 0.72 and precision 0.9)]. Same nucleotide change resulting in same amino acid change has been previously reported as pathogenic/likely pathogenic with strong evidence (ClinVar ID: VCV000961382 /PMID: 21990111).Different missense changes at the same codon (p.Gly259Arg, p.Gly259Asp, p.Gly259Cys, p.Gly259Val) have been reported to be associated with CLN6 related disorder (PMID: 19135028, 23374165, 31489614, 34849271). Therefore, this variant is classified as Likely pathogenic according to the recommendation of ACMG/AMP guideline.

Neuberg Centre For Genomic Medicine, NCGM
Classification: Likely pathogenic for Ceroid lipofuscinosis, neuronal, 6A. Last evaluated: 2023-06-22. Review status: criteria provided, single submitter. Criteria: ACMG Guidelines, 2015. Collection method: clinical testing. Allele origin: germline. Inheritance: Autosomal recessive inheritance. Affected: yes.
Comment: The missense c.775G>A (p.Gly259Ser) variant in the CLN6 gene which is located in a mutational hot spot has been reported previously in compound heterozygous state in individuals affected with neuronal ceroid lipofuscinoses (Kousi et al., 2012; Cannelli et al., 2009). This variant has been reported to the ClinVar database as Pathogenic/ Likely pathogenic/ Uncertain significance. However, experimental studies on the pathogenicity of the variant are not available. This variant is reported with the allele frequency (0.002%) in the gnomAD Exomes. The amino acid Gly at position 259 is changed to a Ser changing protein sequence and it might alter its composition and physico-chemical properties. Multiple lines of computational evidence (Polyphen - Damaging, SIFT - Damaging and MutationTaster - Disease causing) predict a damaging effect on protein structure and function for this variant. The amino acid change p.Gly259Ser in CLN6 is predicted as conserved by GERP++ and PhyloP across 100 vertebrates. For these reasons, this variant has been classified as Likely Pathogenic.

Ambry Genetics
Classification: Uncertain significance for Inborn genetic diseases. Last evaluated: 2022-11-17. Review status: criteria provided, single submitter. Criteria: Ambry Variant Classification Scheme 2023. Collection method: clinical testing. Allele origin: germline.

Blueprint Genetics
Classification: Likely pathogenic for CLN6-related disorders. Last evaluated: 2022-07-11. Review status: criteria provided, single submitter. Criteria: ACMG Guidelines, 2015. Collection method: clinical testing. Allele origin: germline. Affected: yes. Observed: 3 variant alleles.

Mendelics
Classification: Pathogenic for Ceroid lipofuscinosis, neuronal, 6B (Kufs type). Last evaluated: 2022-05-04. Review status: criteria provided, single submitter. Criteria: Mendelics Assertion Criteria 2019. Collection method: clinical testing. Allele origin: germline.

Foundation for Research in Genetics and Endocrinology, FRIGE's Institute of Human Genetics
Classification: Likely pathogenic for Ceroid lipofuscinosis, neuronal, 6A. Last evaluated: 2021-02-12. Review status: criteria provided, single submitter. Criteria: ACMG Guidelines, 2015. Collection method: clinical testing. Allele origin: germline. Inheritance: Autosomal recessive inheritance. Affected: yes. Observed: 1 variant allele, 1 homozygote.
Comment: A homozygous missense variant in exon 7 of the CLN6 gene that results in the amino acid substitution of Serine for Glycine at codon 259 was detected. The observed variant c.775G>A (p.Leu83Val) has not been reported in the 1000 genomes and has a MAF of 0.0024% in gnomAD databases. The in silico prediction of the variant is damaging by MutationTaster2. The reference codon is conserved across species. In summary, the variant meets our criteria to be classified as likely pathogenic.

GeneDx
Classification: Uncertain significance. Last evaluated: 2020-02-24. Review status: criteria provided, single submitter. Criteria: GeneDx Variant Classification Process June 2021. Collection method: clinical testing. Allele origin: germline. Affected: yes.
Comment: Identified in a patient with suspected mitochondrial disease who also had a second CLN6 variant in trans (DaRe et al., 2013); Not observed at a significant frequency in large population cohorts (Lek et al., 2016); In silico analysis supports that this missense variant has a deleterious effect on protein structure/function; Different missense changes at this residue (G259C; G259V; G259D) reported in association with NCL in the Human Gene Mutation Database (Stenson et al., 2014); This variant is associated with the following publications: (PMID: 24215330, 21990111)

Juno Genomics, Hangzhou Juno Genomics, Inc
Classification: Likely pathogenic for Ceroid lipofuscinosis, neuronal, 6A; Ceroid lipofuscinosis, neuronal, 6B (Kufs type). Review status: criteria provided, single submitter. Criteria: ACMG Guidelines, 2015. Collection method: clinical testing. Allele origin: germline.
Comment: Absent from controls (or at extremely low frequency if recessive) in Genome Aggregation Database.;Multiple lines of computational evidence support a deleterious effect on the gene or gene product.;For recessive disorders, detected in trans with a pathogenic variant.;Patient's phenotype or family history is highly specific for a disease with a single genetic etiology.

Literature cited by the submitters: PubMed 21990111 (cited by 5 submitters); PubMed 35505348 (cited by 4 submitters); PubMed 19135028 (cited by Labcorp Genetics (formerly Invitae), Labcorp and 3billion); PubMed 31489614 (cited by Labcorp Genetics (formerly Invitae), Labcorp); PubMed 24215330 (cited by Myriad Genetics, Inc. and Natera, Inc.).